The following is an entry in ClinVar:

ClinVar aggregate classification (germline): Uncertain significance (1 of 4 stars; one submission).

Submission:

GeneDx
Classification: Uncertain significance. Last evaluated: 2024-02-02. Review status: criteria provided, single submitter. Criteria: GeneDx Variant Classification Process June 2021. Collection method: clinical testing. Allele origin: germline. Affected: yes.
Comment: Not observed at significant frequency in large population cohorts (gnomAD); In silico analysis supports that this missense variant does not alter protein structure/function; Has not been previously published as pathogenic or benign to our knowledge

NM_173495.3(PTCHD1):c.2101C>T (p.His701Tyr)

Gene: PTCHD1 (patched domain containing 1; plus strand). Cytogenetic location: Xp22.11.
Variant type: single nucleotide variant.
Coding change: c.2101C>T on transcript NM_173495.3 (MANE Select); coding-DNA position 2101, C replaced by T.
Protein change: p.His701Tyr; replaces histidine 701 with tyrosine.
Molecular consequence: missense variant.
Genome position (GRCh38, 1-based): chrX:23,393,619, C>T. VCF-style: chrX-23393619-C-T. GRCh37 (hg19) VCF-style: chrX-23411736-C-T.
Other names: short protein forms H701Y.
Identifiers: ClinVar variation 3368658 (VCV003368658.1).